The following is an entry in ClinVar:

NM_001161352.2(KCNMA1):c.3054TGA[4] (p.Asp1021_Pro1022insAsp)

Genes: KCNMA1 (potassium calcium-activated channel subfamily M alpha 1; minus strand), KCNMA1-AS1 (KCNMA1 antisense RNA 1; plus strand). Cytogenetic location: 10q22.3.
Variant type: Microsatellite.
Coding change: c.3054TGA[4] on transcript NM_001161352.2 (MANE Select); four copies in a row of the 3-base unit TGA starting at c.3054; the reference has three copies in a row; one copy, 3 bases duplicated.
Protein change: p.Asp1021_Pro1022insAsp.
Molecular consequence: inframe insertion. On other transcripts: inframe indel (1).
Genome position (GRCh38, 1-based): chr10:76,910,051-76,910,053, TCA duplicated on the plus strand (TGA on the coding strand, the reverse complement: KCNMA1 is on the minus strand); duplicating any 3 consecutive bases within chr10:76,910,051-76,910,061 gives the same sequence; the position shown is the placement nearest the transcript's 3' end. VCF-style (leftmost placement, unchanged base first): chr10-76910050-G-GTCA. GRCh37 (hg19) VCF-style: chr10-78669808-G-GTCA.
Other names: c.2427TGA[4], p.Asp812_Pro813insAsp (NM_001322838.2); c.2878_2880GAT[4], p.Asp963_Pro964insAsp (NM_001410940.1); c.2880TGA[4], p.Asp963_Pro964insAsp (NM_002247.4, NM_001322832.2); c.2892TGA[4], p.Asp967_Pro968insAsp (NM_001014797.3); c.3003TGA[4], p.Asp1004_Pro1005insAsp (NM_001161353.2); c.2730TGA[4], p.Asp913_Pro914insAsp (NM_001271518.2); c.2970TGA[4], p.Asp993_Pro994insAsp (NM_001271519.2); c.2889TGA[4], p.Asp966_Pro967insAsp (NM_001322829.2, NM_001322836.2); and 2 more.
Identifiers: ClinVar variation 2003337 (VCV002003337.4), dbSNP rs2548851287, ClinGen allele CA2580615519.

ClinVar aggregate classification (germline): Uncertain significance (1 of 4 stars; one submission).

Conditions:
Generalized epilepsy-paroxysmal dyskinesia syndrome (PNKD3). Also called: Paroxysmal nonkinesigenic dyskinesia, 3, with or without generalized epilepsy; Generalized epilepsy and paroxysmal dyskinesia. Identifiers: Orphanet 79137, MedGen C5574945, MONDO:0012276, OMIM 609446.

Submission:

Labcorp Genetics (formerly Invitae), Labcorp
Classification: Uncertain significance for Generalized epilepsy-paroxysmal dyskinesia syndrome. Last evaluated: 2022-08-15. Review status: criteria provided, single submitter. Criteria: Invitae Variant Classification Sherloc (09022015). Collection method: clinical testing. Allele origin: germline.
Comment: In summary, the available evidence is currently insufficient to determine the role of this variant in disease. Therefore, it has been classified as a Variant of Uncertain Significance. This variant has not been reported in the literature in individuals affected with KCNMA1-related conditions. This variant is not present in population databases (gnomAD no frequency). This variant, c.2886_2888dup, results in the insertion of 1 amino acid(s) of the KCNMA1 protein (p.Asp963dup), but otherwise preserves the integrity of the reading frame.